The following is an entry in ClinVar:

NM_000219.6(KCNE1):c.371A>C (p.Glu124Ala)

Gene: KCNE1 (potassium voltage-gated channel subfamily E regulatory subunit 1; minus strand). Cytogenetic location: 21q22.12.
Variant type: single nucleotide variant.
Coding change: c.371A>C on transcript NM_000219.6 (MANE Select); coding-DNA position 371, A replaced by C.
Protein change: p.Glu124Ala; replaces glutamic acid 124 with alanine.
Molecular consequence: missense variant.
Genome position (GRCh38, 1-based): chr21:34,449,264, T>G on the plus strand (A>C on the coding strand, the complement: KCNE1 is on the minus strand). VCF-style: chr21-34449264-T-G. GRCh37 (hg19) VCF-style: chr21-35821562-T-G.
Other names: c.371A>C, p.Glu124Ala (NM_001127668.4, NM_001127669.4, NM_001127670.4 and 4 more transcripts); short protein forms E124A.
Identifiers: ClinVar variation 3373844 (VCV003373844.2).
Genomic context (GRCh38, chr21:34,449,264, plus strand): 5'-TTGCCAGGCAGGATGTGTCCAGTTTTAGCCAGTGGTGGGGTTCATGGGGAAGGCTTCGTC[T>G]CAGGAAGGTGTGTGTTGGGTTGTTCTATGGCCAGATGGTTTTCAACGACATAGCACGACC-3'
Protein context (NP_000210.2, residues 114-129): AIEQPNTHLP[Glu124Ala]TKPSP

Conditions:
Long QT syndrome 5 (LQT5). Identifiers: Orphanet 101016, Orphanet 768, MedGen C1867904, MONDO:0013372, OMIM 613695.

Submission:

Roden Lab, Vanderbilt University Medical Center
No classification provided (evidence only). Condition: Long QT syndrome 5. Review status: no classification provided. Collection method: in vitro. Allele origin: not applicable. Functional consequence: Effect on ion channel function.
ClinVar note: "not provided" was previously submitted as the classification for the variant. However, the classification appeared to be based only on an observation of functional data so it was converted to no classification on 2025-07-30.